The following is an entry in ClinVar:

ClinVar aggregate classification (germline): Uncertain significance (1 of 4 stars; one submission).

Conditions:
Charcot-Marie-Tooth disease dominant intermediate C (CMTDIC). Also called: CHARCOT-MARIE-TOOTH NEUROPATHY, DOMINANT INTERMEDIATE C. Identifiers: Orphanet 100045, MedGen C1842237, MONDO:0012012, OMIM 608323.

Submission:

Labcorp Genetics (formerly Invitae), Labcorp
Classification: Uncertain significance for Charcot-Marie-Tooth disease dominant intermediate C. Last evaluated: 2024-09-26. Review status: criteria provided, single submitter. Criteria: Invitae Variant Classification Sherloc (09022015). Collection method: clinical testing. Allele origin: germline.
Comment: This sequence change replaces isoleucine, which is neutral and non-polar, with methionine, which is neutral and non-polar, at codon 324 of the YARS protein (p.Ile324Met). This variant is not present in population databases (gnomAD no frequency). This variant has not been reported in the literature in individuals affected with YARS-related conditions. Invitae Evidence Modeling of protein sequence and biophysical properties (such as structural, functional, and spatial information, amino acid conservation, physicochemical variation, residue mobility, and thermodynamic stability) indicates that this missense variant is expected to disrupt YARS protein function with a positive predictive value of 80%. In summary, the available evidence is currently insufficient to determine the role of this variant in disease. Therefore, it has been classified as a Variant of Uncertain Significance.

NM_003680.4(YARS1):c.972C>G (p.Ile324Met)

Gene: YARS1 (tyrosyl-tRNA synthetase 1; minus strand). Cytogenetic location: 1p35.1.
Variant type: single nucleotide variant.
Coding change: c.972C>G on transcript NM_003680.4 (MANE Select); coding-DNA position 972, C replaced by G.
Protein change: p.Ile324Met; replaces isoleucine 324 with methionine.
Molecular consequence: missense variant.
Genome position (GRCh38, 1-based): chr1:32,782,474, G>C on the plus strand (C>G on the coding strand, the complement: YARS1 is on the minus strand). VCF-style: chr1-32782474-G-C. GRCh37 (hg19) VCF-style: chr1-33248075-G-C.
Other names: short protein forms I324M.
Identifiers: ClinVar variation 3690591 (VCV003690591.2).